The following is an entry in ClinVar:

NM_005633.4(SOS1):c.3377_3391del (p.Leu1126_Pro1130del)

Gene: SOS1 (SOS Ras/Rac guanine nucleotide exchange factor 1; minus strand). Cytogenetic location: 2p22.1.
Variant type: Deletion.
Coding change: c.3377_3391del on transcript NM_005633.4 (MANE Select); coding-DNA positions 3377 to 3391, 15 bases deleted (TGCCCCATGGCCCAA).
Protein change: p.Leu1126_Pro1130del.
Molecular consequence: inframe deletion. On other transcripts: intron variant (1).
Genome position (GRCh38, 1-based): chr2:38,989,270-38,989,284, TTGGGCCATGGGGCA deleted on the plus strand (TGCCCCATGGCCCAA on the coding strand, the reverse complement: SOS1 is on the minus strand). VCF-style (leftmost placement, unchanged base first): chr2-38989269-CTTGGGCCATGGGGCA-C. GRCh37 (hg19) VCF-style: chr2-39216410-CTTGGGCCATGGGGCA-C.
Other names: c.3356_3370del, p.Leu1119_Pro1123del (NM_001382394.1); c.3347-1693_3347-1679del (NM_001382395.1).
Identifiers: ClinVar variation 4722848 (VCV004722848.1).

ClinVar aggregate classification (germline): Uncertain significance (1 of 4 stars; one submission).

Conditions:
RASopathy. Also called: rasopathies; Noonan spectrum disorder. Identifiers: Orphanet 536391, MedGen C5555857, MONDO:0021060.

Submission:

Labcorp Genetics (formerly Invitae), Labcorp
Classification: Uncertain significance for RASopathy. Last evaluated: 2025-07-08. Review status: criteria provided, single submitter. Criteria: Invitae Variant Classification Sherloc (09022015). Collection method: clinical testing. Allele origin: germline.
Comment: This variant, c.3377_3391del, results in the deletion of 5 amino acid(s) of the SOS1 protein (p.Leu1126_Pro1130del), but otherwise preserves the integrity of the reading frame. This variant is not present in population databases (gnomAD no frequency). This variant has not been reported in the literature in individuals affected with SOS1-related conditions. Experimental studies and prediction algorithms are not available or were not evaluated, and the functional significance of this variant is currently unknown. In summary, the available evidence is currently insufficient to determine the role of this variant in disease. Therefore, it has been classified as a Variant of Uncertain Significance.